The following is an entry in ClinVar:

NM_005219.5(DIAPH1):c.968C>G (p.Thr323Arg)

Gene: DIAPH1 (diaphanous related formin 1; minus strand). Cytogenetic location: 5q31.3.
Variant type: single nucleotide variant.
Coding change: c.968C>G on transcript NM_005219.5 (MANE Select); coding-DNA position 968, C replaced by G.
Protein change: p.Thr323Arg; replaces threonine 323 with arginine.
Molecular consequence: missense variant.
Genome position (GRCh38, 1-based): chr5:141,578,591, G>C on the plus strand (C>G on the coding strand, the complement: DIAPH1 is on the minus strand). VCF-style: chr5-141578591-G-C. GRCh37 (hg19) VCF-style: chr5-140958158-G-C.
Other names: c.941C>G, p.Thr314Arg (NM_001079812.3); c.968C>G, p.Thr323Arg (NM_001314007.2); short protein forms T314R, T323R.
Identifiers: ClinVar variation 3899039 (VCV003899039.1).

ClinVar aggregate classification (germline): Uncertain significance (1 of 4 stars; one submission).

Submission:

GeneDx
Classification: Uncertain significance. Last evaluated: 2024-11-07. Review status: criteria provided, single submitter. Criteria: GeneDx Variant Classification Process June 2021. Collection method: clinical testing. Allele origin: germline. Affected: yes.
Comment: Not observed at significant frequency in large population cohorts (gnomAD); In silico analysis supports that this missense variant has a deleterious effect on protein structure/function; Has not been previously published as pathogenic or benign to our knowledge